The following is an entry in ClinVar:

ClinVar aggregate classification (germline): Uncertain significance (1 of 4 stars; one submission).

Allele frequency attached by ClinVar (database versions not stated): gnomAD 0.00001; TOPMed 0.00001.
gnomAD v4.1: 1 of 1,613,940 alleles (0.000062%); highest among the groups gnomAD compares: African/African-American, 0.0013%; no homozygotes.

Submission:

Labcorp Genetics (formerly Invitae), Labcorp
Classification: Uncertain significance. Last evaluated: 2024-10-09. Review status: criteria provided, single submitter. Criteria: Invitae Variant Classification Sherloc (09022015). Collection method: clinical testing. Allele origin: germline.
Comment: This sequence change replaces arginine, which is basic and polar, with serine, which is neutral and polar, at codon 1274 of the SETBP1 protein (p.Arg1274Ser). This variant is not present in population databases (gnomAD no frequency). This variant has not been reported in the literature in individuals affected with SETBP1-related conditions. ClinVar contains an entry for this variant (Variation ID: 1429776). Invitae Evidence Modeling of protein sequence and biophysical properties (such as structural, functional, and spatial information, amino acid conservation, physicochemical variation, residue mobility, and thermodynamic stability) indicates that this missense variant is not expected to disrupt SETBP1 protein function with a negative predictive value of 80%. In summary, the available evidence is currently insufficient to determine the role of this variant in disease. Therefore, it has been classified as a Variant of Uncertain Significance.

NM_015559.3(SETBP1):c.3822A>T (p.Arg1274Ser)

Gene: SETBP1 (SET binding protein 1; plus strand). Cytogenetic location: 18q12.3.
Variant type: single nucleotide variant.
Coding change: c.3822A>T on transcript NM_015559.3 (MANE Select); coding-DNA position 3822, A replaced by T.
Protein change: p.Arg1274Ser; replaces arginine 1274 with serine.
Molecular consequence: missense variant.
Genome position (GRCh38, 1-based): chr18:44,953,162, A>T. VCF-style: chr18-44953162-A-T. GRCh37 (hg19) VCF-style: chr18-42533127-A-T.
Other names: c.3822A>T, p.Arg1274Ser (NM_001379141.1, NM_001379142.1); short protein forms R1274S.
Identifiers: ClinVar variation 1429776 (VCV001429776.8), dbSNP rs1222404358, ClinGen allele CA402325258.